The following is an entry in ClinVar:

ClinVar aggregate classification (germline): Pathogenic (1 of 4 stars; one submission).

Conditions:
Mitochondrial DNA depletion syndrome 6 (hepatocerebral type). Also called: NAVAJO NEUROPATHY; Mitochondrial DNA depletion syndrome type 6; Navajo neurohepatopathy. Identifiers: Orphanet 255229, MedGen C1850406, MONDO:0009747, OMIM 256810.

Submission:

3billion
Classification: Pathogenic for Mitochondrial DNA depletion syndrome 6 (hepatocerebral type). Last evaluated: 2025-09-15. Review status: criteria provided, single submitter. Criteria: ACMG Guidelines, 2015. Collection method: clinical testing. Allele origin: germline. Affected: yes.
Comment: The variant is not observed in the gnomAD v4.1.0 dataset. Predicted Consequence/Location: Stop-gained (nonsense): predicted to result in a loss or disruption of normal protein function through nonsense-mediated decay (NMD) or protein truncation. Multiple pathogenic variants are reported downstream of the variant. Therefore, this variant is classified as Pathogenic according to the recommendation of ACMG/AMP guideline.

NM_002437.5(MPV17):c.12G>A (p.Trp4Ter)

Genes: MPV17 (mitochondrial inner membrane protein MPV17; minus strand), LOC129933372 (ATAC-STARR-seq lymphoblastoid active region 15495; plus strand). Cytogenetic location: 2p23.3.
Variant type: single nucleotide variant.
Coding change: c.12G>A on transcript NM_002437.5 (MANE Select); coding-DNA position 12, G replaced by A.
Protein change: p.Trp4Ter; replaces tryptophan 4 with a stop codon.
Molecular consequence: nonsense.
Genome position (GRCh38, 1-based): chr2:27,322,506, C>T on the plus strand (G>A on the coding strand, the complement: MPV17 is on the minus strand). VCF-style: chr2-27322506-C-T. GRCh37 (hg19) VCF-style: chr2-27545373-C-T.
Other names: short protein forms W4*.
Identifiers: ClinVar variation 4856104 (VCV004856104.1).